The following is an entry in ClinVar:

ClinVar aggregate classification (germline): Uncertain significance (1 of 4 stars; one submission).

Conditions:
Familial thoracic aortic aneurysm and aortic dissection (TAAD). Also called: Thoracic aortic aneurysms and dissections. Identifiers: Orphanet 91387, MedGen C4707243, MONDO:0019625.

gnomAD v4.1: 3 of 1,614,154 alleles (0.00019%); highest among the groups gnomAD compares: South Asian, 0.0022%; no homozygotes.

Submission:

All of Us Research Program, National Institutes of Health
Classification: Uncertain significance for Familial thoracic aortic aneurysm and aortic dissection. Last evaluated: 2024-05-09. Review status: criteria provided, single submitter. Criteria: ACMG Guidelines, 2015. Collection method: clinical testing. Allele origin: germline. Inheritance: Autosomal dominant inheritance. Observed: 1 variant allele, 1 heterozygote.
Comment: This study involves interpretation of variants in research participants for the purpose of population health screening. Participant phenotype was not available at the time of variant classification. Additional details can be found in publication PMID: 35346344, PMCID: PMC8962531

NM_002474.3(MYH11):c.779A>G (p.Asn260Ser)

Gene: MYH11 (myosin heavy chain 11; minus strand). Cytogenetic location: 16p13.11.
Variant type: single nucleotide variant.
Coding change: c.779A>G on transcript NM_002474.3 (MANE Select); coding-DNA position 779, A replaced by G.
Protein change: p.Asn260Ser; replaces asparagine 260 with serine.
Molecular consequence: missense variant.
Genome position (GRCh38, 1-based): chr16:15,778,791, T>C on the plus strand (A>G on the coding strand, the complement: MYH11 is on the minus strand). VCF-style: chr16-15778791-T-C. GRCh37 (hg19) VCF-style: chr16-15872648-T-C.
Other names: c.800A>G, p.Asn267Ser (NM_001040113.2, NM_001040114.2); c.779A>G, p.Asn260Ser (NM_022844.3); short protein forms N260S, N267S.
Identifiers: ClinVar variation 3387257 (VCV003387257.1).